The following is an entry in ClinVar:

ClinVar aggregate classification (germline): Uncertain significance (1 of 4 stars; one submission).

Conditions:
Perlman syndrome (PRLMNS). Identifiers: Orphanet 2849, MedGen C0796113, MONDO:0009965, OMIM 267000.

Allele frequency attached by ClinVar (database versions not stated): TOPMed below 0.00001; gnomAD 0.00001.
gnomAD v4.1: 1 of 1,614,042 alleles (0.000062%); highest among the groups gnomAD compares: Non-Finnish European, 0.000085%; no homozygotes.

Submission:

Labcorp Genetics (formerly Invitae), Labcorp
Classification: Uncertain significance for Perlman syndrome. Last evaluated: 2019-10-09. Review status: criteria provided, single submitter. Criteria: Invitae Variant Classification Sherloc (09022015). Collection method: clinical testing. Allele origin: germline.
Comment: Algorithms developed to predict the effect of missense changes on protein structure and function output the following: SIFT: "Tolerated"; PolyPhen-2: "Benign"; Align-GVGD: "Class C0". The serine amino acid residue is found in multiple mammalian species, suggesting that this missense change does not adversely affect protein function. These predictions have not been confirmed by published functional studies and their clinical significance is uncertain. This variant has not been reported in the literature in individuals with DIS3L2-related conditions. In summary, the available evidence is currently insufficient to determine the role of this variant in disease. Therefore, it has been classified as a Variant of Uncertain Significance. This sequence change replaces asparagine with serine at codon 159 of the DIS3L2 protein (p.Asn159Ser). The asparagine residue is weakly conserved and there is a small physicochemical difference between asparagine and serine. This variant is not present in population databases (ExAC no frequency).

NM_152383.5(DIS3L2):c.476A>G (p.Asn159Ser)

Gene: DIS3L2 (DIS3 like 3'-5' exoribonuclease 2; plus strand). Cytogenetic location: 2q37.1.
Variant type: single nucleotide variant.
Coding change: c.476A>G on transcript NM_152383.5 (MANE Select); coding-DNA position 476, A replaced by G.
Protein change: p.Asn159Ser; replaces asparagine 159 with serine.
Molecular consequence: missense variant. On other transcripts: non-coding transcript variant (2).
Genome position (GRCh38, 1-based): chr2:232,087,596, A>G. VCF-style: chr2-232087596-A-G. GRCh37 (hg19) VCF-style: chr2-232952306-A-G.
Other names: c.476A>G, p.Asn159Ser (NM_001257281.2, NM_001257282.2); short protein forms N159S.
Identifiers: ClinVar variation 936657 (VCV000936657.9), dbSNP rs1696702132, ClinGen allele CA351155058.